The following is an entry in ClinVar:

ClinVar aggregate classification (germline): Uncertain significance (1 of 4 stars; one submission).

Conditions:
Cardiovascular phenotype. Identifiers: MedGen CN230736.

gnomAD v4.1: 8 of 1,612,204 alleles (0.0005%); highest among the groups gnomAD compares: Non-Finnish European, 0.00068%; no homozygotes.

Submission:

Ambry Genetics
Classification: Uncertain significance for Cardiovascular phenotype. Last evaluated: 2024-05-05. Review status: criteria provided, single submitter. Criteria: Ambry Variant Classification Scheme 2023. Collection method: clinical testing. Allele origin: germline.
Comment: The p.E949V variant (also known as c.2846A>T), located in coding exon 36 of the CACNA2D1 gene, results from an A to T substitution at nucleotide position 2846. The glutamic acid at codon 949 is replaced by valine, an amino acid with dissimilar properties. This amino acid position is conserved. In addition, this alteration is predicted to be tolerated by in silico analysis. Based on the available evidence, the clinical significance of this variant remains unclear.

NM_000722.4(CACNA2D1):c.2846A>T (p.Glu949Val)

Gene: CACNA2D1 (calcium voltage-gated channel auxiliary subunit alpha2delta 1; minus strand). Cytogenetic location: 7q21.11.
Variant type: single nucleotide variant.
Coding change: c.2846A>T on transcript NM_000722.4 (MANE Select); coding-DNA position 2846, A replaced by T.
Protein change: p.Glu949Val; replaces glutamic acid 949 with valine.
Molecular consequence: missense variant.
Genome position (GRCh38, 1-based): chr7:81,962,014, T>A on the plus strand (A>T on the coding strand, the complement: CACNA2D1 is on the minus strand). VCF-style: chr7-81962014-T-A. GRCh37 (hg19) VCF-style: chr7-81591330-T-A.
Other names: c.2882A>T, p.Glu961Val (NM_001366867.1); short protein forms E961V, E949V.
Identifiers: ClinVar variation 3262815 (VCV003262815.1).